The following is an entry in ClinVar:

ClinVar aggregate classification (germline): Uncertain significance (1 of 4 stars; one submission).

Conditions:
Weaver syndrome (WVS). Also called: Weaver Smith syndrome; Overgrowth syndrome with accelerated skeletal maturation, unusual facies, and camptodactyly. Identifiers: Orphanet 3447, MedGen C0265210, MONDO:0010193, OMIM 277590.

Submission:

Victorian Clinical Genetics Services, Murdoch Childrens Research Institute
Classification: Uncertain significance for Weaver syndrome. Last evaluated: 2025-11-20. Review status: criteria provided, single submitter. Criteria: ACMG Guidelines, 2015. Collection method: clinical testing. Allele origin: germline. Affected: yes.
Comment: This variant is classified as VUS-3A. Evidence in support of pathogenic classification: Variant is predicted to result in a truncated protein with at least 1/3 of the protein sequence affected (premature termination codon is located within the first 102 nucleotides of the coding sequence and is predicted to escape nonsense-mediated decay); Variant is absent from gnomAD (v2, v3 and v4). Additional information: This variant is heterozygous; This gene is associated with autosomal dominant disease; This variant has no previous evidence of pathogenicity; No published evidence of segregation with disease has been identified for this variant; No published functional evidence has been identified for this variant; Another 5' NMD-escape variant(s) comparable to the one identified in this case has inconclusive previous evidence for pathogenicity. p.(Arg25*) has been classified as a VUS by a clinical laboratory in ClinVar; Loss of function is a known mechanism of disease in this gene and is associated with Weaver syndrome (MIM#277590); Variants in this gene are known to have variable expressivity. There is a spectrum of phenotypic severity reported (PMID: 23865096).

Literature cited by the submitters: PubMed 23865096.

NM_004456.5(EZH2):c.7C>T (p.Gln3Ter)

Gene: EZH2 (enhancer of zeste 2 polycomb repressive complex 2 subunit; minus strand). Cytogenetic location: 7q36.1.
Variant type: single nucleotide variant.
Coding change: c.7C>T on transcript NM_004456.5 (MANE Select); coding-DNA position 7, C replaced by T.
Protein change: p.Gln3Ter; replaces glutamine 3 with a stop codon.
Molecular consequence: nonsense.
Genome position (GRCh38, 1-based): chr7:148,847,292, G>A on the plus strand (C>T on the coding strand, the complement: EZH2 is on the minus strand). VCF-style: chr7-148847292-G-A. GRCh37 (hg19) VCF-style: chr7-148544384-G-A.
Other names: c.7C>T, p.Gln3Ter (NM_001203247.2, NM_001203248.2, NM_001203249.2 and 1 more transcripts); short protein forms Q3*.
Identifiers: ClinVar variation 4819022 (VCV004819022.1).